The following is an entry in ClinVar:

ClinVar aggregate classification (germline): Uncertain significance (1 of 4 stars; one submission).

gnomAD v4.1: 2 of 1,614,190 alleles (0.00012%); highest among the groups gnomAD compares: Non-Finnish European, 0.000085%; no homozygotes.

Submission:

GeneDx
Classification: Uncertain significance. Last evaluated: 2020-03-06. Review status: criteria provided, single submitter. Criteria: GeneDx Variant Classification Process June 2021. Collection method: clinical testing. Allele origin: germline. Affected: yes.
Comment: Not observed in large population cohorts (Lek et al., 2016); In silico analysis supports that this missense variant does not alter protein structure/function; Has not been previously published as pathogenic or benign to our knowledge

NM_013352.4(DSE):c.796A>G (p.Thr266Ala)

Gene: DSE (dermatan sulfate epimerase; plus strand). Cytogenetic location: 6q22.1.
Variant type: single nucleotide variant.
Coding change: c.796A>G on transcript NM_013352.4 (MANE Select); coding-DNA position 796, A replaced by G.
Protein change: p.Thr266Ala; replaces threonine 266 with alanine.
Molecular consequence: missense variant. On other transcripts: non-coding transcript variant (1), intron variant (3).
Genome position (GRCh38, 1-based): chr6:116,431,079, A>G. VCF-style: chr6-116431079-A-G. GRCh37 (hg19) VCF-style: chr6-116752242-A-G.
Other names: c.796A>G, p.Thr266Ala (NM_001080976.3, NM_001322937.2, NM_001322938.2 and 2 more transcripts); c.853A>G, p.Thr285Ala (NM_001322939.2); c.235A>G, p.Thr79Ala (NM_001322940.2, NM_001322941.2); c.-90+22A>G (NM_001374520.1); c.83+4252A>G (NM_001374521.1); c.670+4252A>G (NM_001322943.2); short protein forms T266A, T285A, T79A.
Identifiers: ClinVar variation 1315241 (VCV001315241.2), dbSNP rs1283836708, ClinGen allele CA365392694.
Genomic context (GRCh38, chr6:116,431,079, plus strand): 5'-TTGCTCAGGGAGGTGACGGATGGCTCCCTCTATGAAGGAGTTGCGTATGGCAGCTACACC[A>G]CTAGATCACTCTTCCAATACATGTTTCTCGTCCAGAGGCACTTCAACATCAACCACTTTG-3'
Protein context (NP_037484.1, residues 256-276): YEGVAYGSYT[Thr266Ala]RSLFQYMFLV